The following is an entry in ClinVar:

ClinVar aggregate classification (germline): Conflicting classifications of pathogenicity. Review status: criteria provided, conflicting classifications (1 of 4 stars). 6 submissions from 6 submitters: Uncertain significance (1); Benign (1); Likely benign (4). Last evaluated 2025-03-28.

Conditions:
Hereditary cancer-predisposing syndrome. Also called: Neoplastic Syndromes, Hereditary; Hereditary neoplastic syndrome; Tumor predisposition; Hereditary Cancer Syndrome. Identifiers: Orphanet 140162, MedGen C0027672, MeSH D009386, MONDO:0015356.
Peutz-Jeghers syndrome (PJS). Also called: POLYPOSIS, HAMARTOMATOUS INTESTINAL; POLYPS-AND-SPOTS SYNDROME; Peutz-Jeghers polyposis; Periorificial lentiginosis syndrome. Identifiers: Orphanet 2869, MedGen C0031269, MeSH D010580, MONDO:0008280, OMIM 175200.

Allele frequency attached by ClinVar (database versions not stated): gnomAD exomes below 0.00001; TOPMed below 0.00001; ExAC 0.00001; ESP Exome Variant Server 0.00008.
gnomAD v4.1: 1 of 1,610,816 alleles (0.000062%); highest among the groups gnomAD compares: Non-Finnish European, 0.000085%; no homozygotes.

Submissions (6):

Myriad Genetics, Inc.
Classification: Benign for Peutz-Jeghers syndrome. Last evaluated: 2025-03-28. Review status: criteria provided, single submitter. Criteria: Myriad Autosomal Dominant, Autosomal Recessive and X-Linked Classification Criteria (2023). Collection method: clinical testing. Allele origin: unknown.
Comment: This variant is considered benign. This variant is a silent/synonymous amino acid change and it is not expected to impact splicing.

Quest Diagnostics Nichols Institute San Juan Capistrano
Classification: Uncertain significance. Last evaluated: 2024-03-08. Review status: criteria provided, single submitter. Criteria: Quest Diagnostics criteria. Collection method: clinical testing. Allele origin: unknown.
Comment: The STK11 c.1032G>A (p.Leu344=) synonymous variant has not been reported in individuals with STK11-related conditions in the published literature. The frequency of this variant in the general population, 0.0000041 (1/242976 chromosomes (Genome Aggregation Database)), is uninformative in the assessment of its pathogenicity. Analysis of this variant using software algorithms for the prediction of the effect of nucleotide changes on splicing yielded predictions that this variant does not affect STK11 mRNA splicing. Based on the available information, we are unable to determine the clinical significance of this variant.

Ambry Genetics
Classification: Likely benign for Hereditary cancer-predisposing syndrome. Last evaluated: 2023-10-12. Review status: criteria provided, single submitter. Criteria: Ambry Variant Classification Scheme 2023. Collection method: clinical testing. Allele origin: germline.

Labcorp Genetics (formerly Invitae), Labcorp
Classification: Likely benign for Peutz-Jeghers syndrome. Last evaluated: 2022-05-18. Review status: criteria provided, single submitter. Criteria: Invitae Variant Classification Sherloc (09022015). Collection method: clinical testing. Allele origin: germline.

Color Diagnostics, LLC DBA Color Health
Classification: Likely benign for Hereditary cancer-predisposing syndrome. Last evaluated: 2022-04-24. Review status: criteria provided, single submitter. Criteria: ACMG Guidelines, 2015. Collection method: clinical testing. Allele origin: germline.

GeneDx
Classification: Likely benign. Last evaluated: 2016-05-11. Review status: criteria provided, single submitter. Criteria: GeneDx Variant Classification (06012015). Collection method: clinical testing. Allele origin: germline. Affected: yes.
Comment: This variant is considered likely benign or benign based on one or more of the following criteria: it is a conservative change, it occurs at a poorly conserved position in the protein, it is predicted to be benign by multiple in silico algorithms, and/or has population frequency not consistent with disease.

NM_000455.5(STK11):c.1032G>A (p.Leu344=)

Genes: STK11 (serine/threonine kinase 11; plus strand), LOC130062899 (ATAC-STARR-seq lymphoblastoid active region 13597; plus strand). Cytogenetic location: 19p13.3.
Variant type: single nucleotide variant.
Coding change: c.1032G>A on transcript NM_000455.5 (MANE Select); coding-DNA position 1032, G replaced by A.
Protein change: p.Leu344=; no amino-acid change (leucine 344 retained).
Molecular consequence: synonymous variant.
Genome position (GRCh38, 1-based): chr19:1,223,096, G>A. VCF-style: chr19-1223096-G-A. GRCh37 (hg19) VCF-style: chr19-1223095-G-A.
Identifiers: ClinVar variation 386202 (VCV000386202.11), dbSNP rs371928158, ClinGen allele CA044738.
Genomic context (GRCh38, chr19:1,223,096, plus strand): 5'-GAGCCCAGACACCAAGGACCGGTGGCGCAGCATGACTGTGGTGCCGTACTTGGAGGACCT[G>A]CACGGCGCGGACGAGGACGAGGACCTCTTCGACATCGAGGATGACATCATCTACACTCAG-3'
Protein context (NP_000446.1, residues 334-354): SMTVVPYLED[Leu344=]HGADEDEDLF